The following is an entry in ClinVar:

ClinVar aggregate classification (germline): Likely pathogenic (1 of 4 stars; one submission).

gnomAD v4.1: 2 of 1,611,656 alleles (0.00012%); highest among the groups gnomAD compares: Non-Finnish European, 0.000085%; no homozygotes.

Submission:

Mayo Clinic Laboratories, Mayo Clinic
Classification: Likely pathogenic. Last evaluated: 2024-05-31. Review status: criteria provided, single submitter. Criteria: ACMG Guidelines, 2015. Collection method: clinical testing. Allele origin: germline. Observed: 1 variant allele.
Comment: PM2, PM3_supporting, PS4_moderate, PVS1_strong

Literature cited by the submitters: PubMed 24388329.

NM_016038.4(SBDS):c.259-2A>G

Gene: SBDS (SBDS ribosome maturation factor; minus strand). Cytogenetic location: 7q11.21.
Variant type: single nucleotide variant.
Coding change: c.259-2A>G on transcript NM_016038.4 (MANE Select); the canonical splice acceptor site of the intron before coding-DNA position 259, A replaced by G.
Molecular consequence: splice acceptor variant.
Genome position (GRCh38, 1-based): chr7:66,993,419, T>C on the plus strand (A>G on the coding strand, the complement: SBDS is on the minus strand). VCF-style: chr7-66993419-T-C. GRCh37 (hg19) VCF-style: chr7-66458406-T-C.
Identifiers: ClinVar variation 3381023 (VCV003381023.1).